The following is an entry in ClinVar:

ClinVar aggregate classification (germline): Pathogenic (1 of 4 stars; one submission).

Conditions:
Tyrosinemia type III. Also called: Tyrosinemia type 3; 4-alpha hydroxyphenylpyruvic acid oxidase deficiency; 4-alpha hydroxyphenylpyruvate dioxygenase deficiency; 4-Hydroxyphenylpyruvate dioxygenase deficiency; 4-HYDROXYPHENYLPYRUVIC ACID OXIDASE DEFICIENCY. Identifiers: Orphanet 69723, MedGen C0268623, MONDO:0010162, OMIM 276710.

Submission:

Women's Health and Genetics/Laboratory Corporation of America, LabCorp
Classification: Pathogenic for Tyrosinemia type III. Last evaluated: 2025-10-21. Review status: criteria provided, single submitter. Criteria: LabCorp Variant Classification Summary - May 2015. Collection method: clinical testing. Allele origin: germline.
Comment: Variant summary: The variant involves the deletion of exons 1-14 in the HPD gene. A presumed nomenclature of c.(?_-37)_(*202_?)del has been designated for the purposes of this classification. This deletion includes the entire coding sequence of the gene. As the exact proximal and distal breakpoints are unknown, it may extend beyond the annotated region of the gene to include other flanking genes. Loss-of-function variants in this gene are known to be pathogenic. The variant was absent in 19744 control chromosomes. To our knowledge, no occurrence of c.(?_-37)_(*202_?)del in individuals affected with HPD-related conditions and no experimental evidence demonstrating its impact on protein function have been reported. No submitters have cited clinical-significance assessments for this variant to ClinVar. Based on the evidence outlined above, the variant was classified as pathogenic.

NC_000012.11:g.(?_122277432)_(122296766_?)del

Gene: HPD (4-hydroxyphenylpyruvate dioxygenase; minus strand). Cytogenetic location: 12q24.31.
Variant type: Deletion.
Identifiers: ClinVar variation 4687140 (VCV004687140.1).